The following is an entry in ClinVar:

NM_004006.3(DMD):c.2950-2A>T

Gene: DMD (dystrophin; minus strand). Cytogenetic location: Xp21.1.
Variant type: single nucleotide variant.
Coding change: c.2950-2A>T on transcript NM_004006.3 (MANE Select); the canonical splice acceptor site of the intron before coding-DNA position 2950, A replaced by T.
Molecular consequence: splice acceptor variant.
Genome position (GRCh38, 1-based): chrX:32,468,712, T>A on the plus strand (A>T on the coding strand, the complement: DMD is on the minus strand). VCF-style: chrX-32468712-T-A. GRCh37 (hg19) VCF-style: chrX-32486829-T-A.
Other names: c.2926-2A>T (NM_000109.4); c.2938-2A>T (NM_004009.3); c.2581-2A>T (NM_004010.3).
Identifiers: ClinVar variation 496923 (VCV000496923.7), dbSNP rs398123915, ClinGen allele CA412667201.

ClinVar aggregate classification (germline): Pathogenic. Review status: criteria provided, multiple submitters, no conflicts (2 of 4 stars). 2 submissions from 2 submitters: Pathogenic (2). Last evaluated 2024-02-23.

Conditions:
Duchenne muscular dystrophy (DMD). Also called: MUSCULAR DYSTROPHY, PSEUDOHYPERTROPHIC PROGRESSIVE, DUCHENNE TYPE; Duchenne Muscular Dystrophy (DMD). Identifiers: Orphanet 98896, MedGen C0013264, MONDO:0010679, OMIM 310200.

Submissions (2):

Labcorp Genetics (formerly Invitae), Labcorp
Classification: Pathogenic for Duchenne muscular dystrophy. Last evaluated: 2024-02-23. Review status: criteria provided, single submitter. Criteria: Invitae Variant Classification Sherloc (09022015). Collection method: clinical testing. Allele origin: germline.
Comment: This sequence change affects an acceptor splice site in intron 22 of the DMD gene. It is expected to disrupt RNA splicing. Variants that disrupt the donor or acceptor splice site typically lead to a loss of protein function (PMID: 16199547), and loss-of-function variants in DMD are known to be pathogenic (PMID: 16770791, 25007885). This variant is not present in population databases (gnomAD no frequency). Disruption of this splice site has been observed in individuals with DMD-related conditions (PMID: 19760747, 28318817). ClinVar contains an entry for this variant (Variation ID: 496923). Algorithms developed to predict the effect of sequence changes on RNA splicing suggest that this variant may disrupt the consensus splice site. For these reasons, this variant has been classified as Pathogenic.

Eurofins Ntd Llc (ga)
Classification: Pathogenic. Last evaluated: 2015-11-13. Review status: criteria provided, single submitter. Criteria: EGL Classification Definitions 2015. Collection method: clinical testing. Allele origin: germline. Observed: 1 variant allele, 1 hemizygote.

Literature cited by the submitters: PubMed 16199547 (cited by Labcorp Genetics (formerly Invitae), Labcorp); PubMed 16770791 (cited by Labcorp Genetics (formerly Invitae), Labcorp); PubMed 25007885 (cited by Labcorp Genetics (formerly Invitae), Labcorp); PubMed 19760747 (cited by Labcorp Genetics (formerly Invitae), Labcorp); PubMed 28318817 (cited by Labcorp Genetics (formerly Invitae), Labcorp).